The following is an entry in ClinVar:

NM_003361.4(UMOD):c.950G>A (p.Cys317Tyr)

Gene: UMOD (uromodulin; minus strand). Cytogenetic location: 16p12.3.
Variant type: single nucleotide variant.
Coding change: c.950G>A on transcript NM_003361.4 (MANE Select); coding-DNA position 950, G replaced by A.
Protein change: p.Cys317Tyr; replaces cysteine 317 with tyrosine.
Molecular consequence: missense variant. On other transcripts: non-coding transcript variant (1).
Genome position (GRCh38, 1-based): chr16:20,348,246, C>T on the plus strand (G>A on the coding strand, the complement: UMOD is on the minus strand). VCF-style: chr16-20348246-C-T. GRCh37 (hg19) VCF-style: chr16-20359568-C-T.
Other names: c.950G>A, p.Cys317Tyr (NM_001378237.1, NM_001008389.3, NM_001378232.1 and 3 more transcripts); c.1049G>A, p.Cys350Tyr (NM_001278614.2); short protein forms C317Y, C350Y.
Identifiers: ClinVar variation 4292365 (VCV004292365.2).
Genomic context (GRCh38, chr16:20,348,246, plus strand): 5'-GTTTCTCAACAACCCGCTTCCTCCCCACTGGCCTCACCAGTGATGTTGAAGTCCTGTTTG[C>T]ACTGGCAGTGCCATCTGCCATTATTCGATTTGCAGTCCTCGTCTATACTGCACTCCTCAC-3'
Protein context (NP_003352.2, residues 307-327): KSNNGRWHCQ[Cys317Tyr]KQDFNITDIS

ClinVar aggregate classification (germline): Pathogenic/Likely pathogenic. Review status: criteria provided, multiple submitters, no conflicts (2 of 4 stars). 2 submissions from 2 submitters: Pathogenic (1); Likely pathogenic (1). Last evaluated 2025-07-13.

Conditions:
Familial juvenile hyperuricemic nephropathy type 1 (ADTKD1). Also called: Autosomal Dominant Tubulointerstitial Kidney Disease – UMOD; UMOD-Associated Kidney Disease; Uromodulin-associated kidney disease; Glomerulocystic kidney disease with hyperuricemia and isosthenuria; Medullary cystic kidney disease 2. Identifiers: Orphanet 209886, Orphanet 34149, Orphanet 88950, MedGen C4551496, MONDO:0008073, OMIM 162000.

Submissions (2):

Labcorp Genetics (formerly Invitae), Labcorp
Classification: Pathogenic. Last evaluated: 2025-07-13. Review status: criteria provided, single submitter. Criteria: Invitae Variant Classification Sherloc (09022015). Collection method: clinical testing. Allele origin: germline.
Comment: This sequence change replaces cysteine, which is neutral and slightly polar, with tyrosine, which is neutral and polar, at codon 317 of the UMOD protein (p.Cys317Tyr). This variant is not present in population databases (gnomAD no frequency). This missense change has been observed in individual(s) with medullary cystic kidney disease (PMID: 14570709). It has also been observed to segregate with disease in related individuals. Invitae Evidence Modeling of protein sequence and biophysical properties (such as structural, functional, and spatial information, amino acid conservation, physicochemical variation, residue mobility, and thermodynamic stability) indicates that this missense variant is not expected to disrupt UMOD protein function with a negative predictive value of 80%. Experimental studies have shown that this missense change affects UMOD function (PMID: 14570709, 17010121). For these reasons, this variant has been classified as Pathogenic.

3billion
Classification: Likely pathogenic for Familial juvenile hyperuricemic nephropathy type 1. Last evaluated: 2024-11-11. Review status: criteria provided, single submitter. Criteria: ACMG Guidelines, 2015. Collection method: clinical testing. Allele origin: germline. Affected: yes.
Comment: The variant is not observed in the gnomAD v4.1.0 dataset. Predicted Consequence/Location: Missense variant. Missense changes are a common disease-causing mechanism. In silico tool predictions suggest damaging effect of the variant on gene or gene product [REVEL: 0.89 (>=0.6, sensitivity 0.68 and specificity 0.92); 3Cnet: 0.74 (>=0.6, sensitivity 0.72 and precision 0.9)]. The same nucleotide change resulting in the same amino acid change has been previously reported to be associated with UMOD-related disorder (PMID: 14570709).A different missense change at the same codon (p.Cys317Gly) has been reported as pathogenic/likely pathogenic with strong evidence (ClinVar ID: VCV000446167 /PMID: 27795632). Therefore, this variant is classified as Likely pathogenic according to the recommendation of ACMG/AMP guideline.

Literature cited by the submitters: PubMed 14570709 (cited by Labcorp Genetics (formerly Invitae), Labcorp and 3billion); PubMed 17010121 (cited by Labcorp Genetics (formerly Invitae), Labcorp); PubMed 27795632 (cited by 3billion).